The following is an entry in ClinVar:

ClinVar aggregate classification (germline): Uncertain significance (1 of 4 stars; one submission).

Conditions:
Inborn genetic diseases. Identifiers: MedGen C0950123, MeSH D030342.

Submission:

Ambry Genetics
Classification: Uncertain significance for Inborn genetic diseases. Last evaluated: 2022-03-19. Review status: criteria provided, single submitter. Criteria: Ambry Variant Classification Scheme 2023. Collection method: clinical testing. Allele origin: germline.
Comment: The p.L1202H variant (also known as c.3605T>A), located in coding exon 30 of the DCTN1 gene, results from a T to A substitution at nucleotide position 3605. The leucine at codon 1202 is replaced by histidine, an amino acid with similar properties. This amino acid position is conserved. In addition, this alteration is predicted to be deleterious by in silico analysis. Since supporting evidence is limited at this time, the clinical significance of this alteration remains unclear.

NM_004082.5(DCTN1):c.3605T>A (p.Leu1202His)

Gene: DCTN1 (dynactin subunit 1; minus strand). Cytogenetic location: 2p13.1.
Variant type: single nucleotide variant.
Coding change: c.3605T>A on transcript NM_004082.5 (MANE Select); coding-DNA position 3605, T replaced by A.
Protein change: p.Leu1202His; replaces leucine 1202 with histidine.
Molecular consequence: missense variant. On other transcripts: non-coding transcript variant (1).
Genome position (GRCh38, 1-based): chr2:74,362,654, A>T on the plus strand (T>A on the coding strand, the complement: DCTN1 is on the minus strand). VCF-style: chr2-74362654-A-T. GRCh37 (hg19) VCF-style: chr2-74589781-A-T.
Other names: c.3530T>A, p.Leu1177His (NM_001135040.3); c.3188T>A, p.Leu1063His (NM_001135041.3); c.3479T>A, p.Leu1160His (NM_001190836.2); c.3584T>A, p.Leu1195His (NM_001190837.2); c.3554T>A, p.Leu1185His (NM_001378991.1); c.3536T>A, p.Leu1179His (NM_001378992.1); c.3203T>A, p.Leu1068His (NM_023019.4); short protein forms L1202H, L1063H, L1068H, L1160H, L1177H, L1185H, L1179H, L1195H.
Identifiers: ClinVar variation 1733149 (VCV001733149.2), dbSNP rs2529077795, ClinGen allele CA347336500.